The following is an entry in ClinVar:

NM_000091.5(COL4A3):c.1584del (p.Gly529fs)

Genes: COL4A3 (collagen type IV alpha 3 chain; plus strand), MFF-DT (MFF divergent transcript; minus strand). Cytogenetic location: 2q36.3.
Variant type: Deletion.
Coding change: c.1584del on transcript NM_000091.5 (MANE Select); coding-DNA position 1584, one base deleted (A; older notation c.1584delA).
Protein change: p.Gly529fs; shifts the reading frame from glycine 529.
Molecular consequence: frameshift variant.
Genome position (GRCh38, 1-based): chr2:227,270,778, A deleted. VCF-style (leftmost placement, unchanged base first): chr2-227270777-CA-C. GRCh37 (hg19) VCF-style: chr2-228135493-CA-C.
Other names: short protein forms G529fs.
Identifiers: ClinVar variation 1453086 (VCV001453086.7), dbSNP rs1380904813, ClinGen allele CA765694439.
Genomic context (GRCh38, chr2:227,270,777, plus strand): 5'-AGAAGAAGAATTCTAACAAAATACAATACAGATTCATTTGTGTACTACCCTAGGGTTTCC[CA>C]GGTGCCCAGGGTGACCCAGGACTTAAAGGAGAAAAAGGTGAAACACTTCAGCCTGAGGGG-3'

ClinVar aggregate classification (germline): Pathogenic. Review status: criteria provided, multiple submitters, no conflicts (2 of 4 stars). 2 submissions from 2 submitters: Pathogenic (2). Last evaluated 2024-08-14.

Conditions:
Alport syndrome. Also called: Hemorrhagic familial nephritis; Hemorrhagic hereditary nephritis; Congenital hereditary hematuria. Identifiers: Orphanet 63, MedGen C1567741, MONDO:0018965.

Allele frequency attached by ClinVar (database versions not stated): TOPMed below 0.00001; gnomAD 0.00001.

Submissions (2):

Myriad Genetics, Inc.
Classification: Pathogenic for Alport syndrome. Last evaluated: 2024-08-14. Review status: criteria provided, single submitter. Criteria: Myriad Autosomal Dominant, Autosomal Recessive and X-Linked Classification Criteria (2023). Collection method: clinical testing. Allele origin: unknown.
Comment: NM_000091.4(COL4A3):c.1584delA(G529Vfs*48) is expected to be pathogenic in the context of Alport syndrome, COL4A3-related. This variant is predicted to lead to an abnormal or absent protein product due to the creation of a premature termination codon in COL4A3, a gene where loss-of-function variants are known to be pathogenic. Please note: this variant was assessed in the context of healthy population screening.

Labcorp Genetics (formerly Invitae), Labcorp
Classification: Pathogenic. Last evaluated: 2021-03-29. Review status: criteria provided, single submitter. Criteria: Invitae Variant Classification Sherloc (09022015). Collection method: clinical testing. Allele origin: germline.
Comment: For these reasons, this variant has been classified as Pathogenic. This variant has not been reported in the literature in individuals with COL4A3-related conditions. This variant is not present in population databases (ExAC no frequency). This sequence change creates a premature translational stop signal (p.Gly529Valfs*48) in the COL4A3 gene. It is expected to result in an absent or disrupted protein product. Loss-of-function variants in COL4A3 are known to be pathogenic (PMID: 8956999, 24854265, 26809805, 27281700).

Literature cited by the submitters: PubMed 8956999 (cited by Labcorp Genetics (formerly Invitae), Labcorp); PubMed 24854265 (cited by Labcorp Genetics (formerly Invitae), Labcorp); PubMed 26809805 (cited by Labcorp Genetics (formerly Invitae), Labcorp); PubMed 27281700 (cited by Labcorp Genetics (formerly Invitae), Labcorp).